The following is an entry in ClinVar:

NM_001447.3(FAT2):c.11800G>A (p.Gly3934Ser)

Genes: FAT2 (FAT atypical cadherin 2; minus strand), SLC36A1 (solute carrier family 36 member 1; plus strand). Cytogenetic location: 5q33.1.
Variant type: single nucleotide variant.
Coding change: c.11800G>A on transcript NM_001447.3 (MANE Select); coding-DNA position 11800, G replaced by A.
Protein change: p.Gly3934Ser; replaces glycine 3934 with serine.
Molecular consequence: missense variant.
Genome position (GRCh38, 1-based): chr5:151,512,270, C>T on the plus strand (G>A on the coding strand, the complement: FAT2 is on the minus strand). VCF-style: chr5-151512270-C-T. GRCh37 (hg19) VCF-style: chr5-150891831-C-T.
Other names: short protein forms G3934S.
Identifiers: ClinVar variation 1912806 (VCV001912806.5), dbSNP rs1420322262, ClinGen allele CA361821634.
Genomic context (GRCh38, chr5:151,512,270, plus strand): 5'-TCTGGCTGCAGTAGTCACTGTGGAGGCAGCACTGGGTGAGGGCTTGTGTCTCCAGCAAGC[C>T]TGCCACCGTCTTGCCAGGGGCCAGCAGATCTAGAGCCTCTTCGTTGACCACGACAGCATC-3'
Protein context (NP_001438.1, residues 3924-3944): DLLAPGKTVA[Gly3934Ser]LLETQALTQC

ClinVar aggregate classification (germline): Uncertain significance (1 of 4 stars; one submission).

Allele frequency attached by ClinVar (database versions not stated): gnomAD exomes below 0.00001; TOPMed 0.00001.
gnomAD v4.1: 6 of 1,614,236 alleles (0.00037%); highest among the groups gnomAD compares: Admixed American, 0.0017%; no homozygotes.

Submission:

Labcorp Genetics (formerly Invitae), Labcorp
Classification: Uncertain significance. Last evaluated: 2022-07-29. Review status: criteria provided, single submitter. Criteria: Invitae Variant Classification Sherloc (09022015). Collection method: clinical testing. Allele origin: germline.
Comment: In summary, the available evidence is currently insufficient to determine the role of this variant in disease. Therefore, it has been classified as a Variant of Uncertain Significance. Algorithms developed to predict the effect of missense changes on protein structure and function (SIFT, PolyPhen-2, Align-GVGD) all suggest that this variant is likely to be tolerated. This variant has not been reported in the literature in individuals affected with FAT2-related conditions. This variant is not present in population databases (gnomAD no frequency). This sequence change replaces glycine, which is neutral and non-polar, with serine, which is neutral and polar, at codon 3934 of the FAT2 protein (p.Gly3934Ser).